The following is an entry in ClinVar:

ClinVar aggregate classification (germline): Pathogenic. Review status: criteria provided, multiple submitters, no conflicts (2 of 4 stars). 5 submissions from 5 submitters: Pathogenic (5). Last evaluated 2026-01-27.

Conditions:
Danon disease. Also called: ANTOPOL DISEASE; PSEUDOGLYCOGENOSIS II; Glycogen Storage Disease Type IIb; GSD IIb; LYSOSOMAL GLYCOGEN STORAGE DISEASE WITHOUT ACID MALTASE DEFICIENCY. Identifiers: Orphanet 34587, MedGen C0878677, MONDO:0010281, OMIM 300257.
Primary dilated cardiomyopathy (DCM). Also called: Dilated Cardiomyopathy. Identifiers: Orphanet 217604, MedGen C0007193, MeSH D002311, MONDO:0005021, HP:0001644. Inheritance: Various modes of inheritance.

Submissions (5):

Petrovsky National Research Centre of Surgery, The Federal Agency for Scientific Organizations
Classification: Pathogenic for Primary dilated cardiomyopathy. Last evaluated: 2026-01-27. Review status: criteria provided, single submitter. Criteria: ACMG Guidelines, 2015. Collection method: clinical testing. Allele origin: germline. Affected: yes. Observed: 1 variant allele.
Comment: The variant is not present in The Genome Aggregation Database (gnomAD) v4.1.0. (Date of access 2026-01-21). In accordance with ACMG (2015) criteria this variant is classified as Pathogenic with following criteria selected: PVS1, PM2, PS4_Supporting.

Dasa
Classification: Pathogenic. Last evaluated: 2025-09-11. Review status: criteria provided, single submitter. Criteria: DASA Assertion Criteria. Collection method: clinical testing. Allele origin: germline.
Comment: NM_002294.3(LAMP2):c.1093+1G>A introduces a premature termination codon predicted to result in loss of normal protein function. Loss-of-function is an established mechanism of disease for this gene. This variant results in the same amino acid change as a previously established pathogenic variant. This variant has been recurrently observed in individuals with related phenotype (PMID: 18990578; PMID: 18061453; PMID: 37466024). The variant is present at low frequency in population datasets. Based on the available data, this variant is classified as pathogenic.

Labcorp Genetics (formerly Invitae), Labcorp
Classification: Pathogenic for Danon disease. Last evaluated: 2025-08-11. Review status: criteria provided, single submitter. Criteria: Invitae Variant Classification Sherloc (09022015). Collection method: clinical testing. Allele origin: germline.
Comment: This sequence change affects a donor splice site in intron 8 of the LAMP2 gene. While this variant is not anticipated to result in nonsense mediated decay, it likely alters RNA splicing and results in a disrupted protein product. This variant is not present in population databases (gnomAD no frequency). Disruption of this splice site has been observed in individual(s) with Danon disease and/or LAMP2-related conditions (PMID: 18061453, 18990578). It has also been observed to segregate with disease in related individuals. ClinVar contains an entry for this variant (Variation ID: 179254). Variants that disrupt the consensus splice site are a relatively common cause of aberrant splicing (PMID: 17576681, 9536098). Studies have shown that disruption of this splice site is associated with altered splicing resulting in multiple RNA products (PMID: 18061453, 18990578). For these reasons, this variant has been classified as Pathogenic.

GeneDx
Classification: Pathogenic. Last evaluated: 2016-05-10. Review status: criteria provided, single submitter. Criteria: GeneDx Variant Classification (06012015). Collection method: clinical testing. Allele origin: germline. Affected: yes.
Comment: Although the c.1093+1 G>A variant has not been published as a pathogenic variant or as a benign variant to our knowledge, it is classified in ClinVar as a pathogenic variant in association with Danon disease (ClinVar SCV000205754.2; Landrum et al., 2016). Furthermore, it destroys the canonical splice donor site in intron 8 and is predicted to cause abnormal gene splicing. This variant is predicted to lead to either an abnormal message that is subject to nonsense-mediated mRNA decay, or to an abnormal protein product if the message is used for protein translation. Other splice site variants in the LAMP2 gene, including two other variants at the same splice site, have been reported in HGMD in association with Danon disease (Stenson et al., 2014). Furthermore, the c.1093+1 G>A variant was not observed in approximately 6,500 individuals of European and African American ancestry in the NHLBI Exome Sequencing Project, indicating it is not a common benign variant in these populations

Laboratory for Molecular Medicine, Mass General Brigham Personalized Medicine
Classification: Pathogenic for Danon disease. Last evaluated: 2013-08-29. Review status: criteria provided, single submitter. Criteria: LMM Criteria. Collection method: clinical testing. Allele origin: germline. Inheritance: X-linked inheritance. Observed: 1 variant allele.
Comment: The 1093+1G>A variant in LAMP2 has not been previously reported in individuals w ith cardiomyopathy or Danon disease, or been observed in large population studie s. This variant occurs in the invariant region (+/- 1,2) of the splice consensus sequence and is predicted to cause altered splicing leading to an abnormal or a bsent protein (loss of function). Two other variants at this splice site (1093+1 G>C and 1093+2T>A) have been reported in individuals with Danon disease and were shown to alter splicing (DiBlasi 2008, Tu?on 2008). Loss of function variants i n LAMP2 are associated with Danon disease, an X-linked glycogen storage disease that includes cardiomyopathy (HCM and DCM) and skeletal myopathy (Boucek 2011). In summary, this variant meets our criteria to be classified as pathogenic based on the predicted impact of the variant.

Literature cited by the submitters: PubMed 18990578 (cited by 3 submitters); PubMed 18061453 (cited by 3 submitters); PubMed 37466024 (cited by Dasa); PubMed 17576681 (cited by Labcorp Genetics (formerly Invitae), Labcorp); PubMed 9536098 (cited by Labcorp Genetics (formerly Invitae), Labcorp).

NM_002294.3(LAMP2):c.1093+1G>A

Gene: LAMP2 (lysosome associated membrane protein 2; minus strand). Cytogenetic location: Xq24.
Variant type: single nucleotide variant.
Coding change: c.1093+1G>A on transcript NM_002294.3 (MANE Select); the canonical splice donor site of the intron after coding-DNA position 1093, G replaced by A.
Molecular consequence: splice donor variant.
Genome position (GRCh38, 1-based): chrX:120,441,729, C>T on the plus strand (G>A on the coding strand, the complement: LAMP2 is on the minus strand). VCF-style: chrX-120441729-C-T. GRCh37 (hg19) VCF-style: chrX-119575584-C-T.
Other names: c.1093+1G>A (NM_001122606.1, NM_013995.2).
Identifiers: ClinVar variation 179254 (VCV000179254.13), dbSNP rs727504742, ClinGen allele CA184060.